The following is an entry in ClinVar:

NM_000321.3(RB1):c.1426C>T (p.Leu476Phe)

Gene: RB1 (RB transcriptional corepressor 1; plus strand). Cytogenetic location: 13q14.2.
Variant type: single nucleotide variant.
Coding change: c.1426C>T on transcript NM_000321.3 (MANE Select); coding-DNA position 1426, C replaced by T.
Protein change: p.Leu476Phe; replaces leucine 476 with phenylalanine.
Molecular consequence: missense variant.
Genome position (GRCh38, 1-based): chr13:48,380,169, C>T. VCF-style: chr13-48380169-C-T. GRCh37 (hg19) VCF-style: chr13-48954305-C-T.
Other names: c.1426C>T, p.Leu476Phe (NM_001407165.1, NM_001407166.1); short protein forms L476F.
Identifiers: ClinVar variation 5027906 (VCV005027906.1).
Genomic context (GRCh38, chr13:48,380,169, plus strand): 5'-AATTTTTTTCTTTTTATAGAAGTAAGTATTTTATAATCTTTTTTTTTTTCCTTTAGCAAA[C>T]TTCTGAATGACAACATTTTTCATATGTCTTTATTGGCGTGCGCTCTTGAGGTTGTAATGG-3'
Protein context (NP_000312.2, residues 466-486): ERLSIQNFSK[Leu476Phe]LNDNIFHMSL

ClinVar aggregate classification (germline): Uncertain significance (1 of 4 stars; one submission).

Conditions:
Hereditary cancer-predisposing syndrome. Also called: Neoplastic Syndromes, Hereditary; Tumor predisposition; Hereditary neoplastic syndrome; Hereditary Cancer Syndrome. Identifiers: Orphanet 140162, MedGen C0027672, MeSH D009386, MONDO:0015356.

Submission:

Ambry Genetics
Classification: Uncertain significance for Hereditary cancer-predisposing syndrome. Last evaluated: 2026-07-02. Review status: criteria provided, single submitter. Criteria: Ambry Variant Classification Scheme 2023. Collection method: clinical testing. Allele origin: germline.
Comment: The p.L476F variant (also known as c.1426C>T), located in coding exon 16 of the RB1 gene, results from a C to T substitution at nucleotide position 1426. The leucine at codon 476 is replaced by phenylalanine, an amino acid with highly similar properties. This amino acid position is conserved. In addition, this alteration is predicted to be deleterious by in silico analysis. Based on the available evidence, the clinical significance of this variant remains unclear.